The following is an entry in ClinVar:

NM_213599.3(ANO5):c.2209A>T (p.Met737Leu)

Gene: ANO5 (anoctamin 5; plus strand). Cytogenetic location: 11p14.3.
Variant type: single nucleotide variant.
Coding change: c.2209A>T on transcript NM_213599.3 (MANE Select); coding-DNA position 2209, A replaced by T.
Protein change: p.Met737Leu; replaces methionine 737 with leucine.
Molecular consequence: missense variant.
Genome position (GRCh38, 1-based): chr11:22,272,963, A>T. VCF-style: chr11-22272963-A-T. GRCh37 (hg19) VCF-style: chr11-22294509-A-T.
Other names: c.2206A>T, p.Met736Leu (NM_001142649.2); short protein forms M736L, M737L.
Identifiers: ClinVar variation 1025959 (VCV001025959.9), dbSNP rs1854679617, ClinGen allele CA379924010.

ClinVar aggregate classification (germline): Uncertain significance (1 of 4 stars; one submission).

Conditions:
Autosomal recessive limb-girdle muscular dystrophy type 2L (LGMDR12). Also called: MUSCULAR DYSTROPHY, LIMB-GIRDLE, AUTOSOMAL RECESSIVE 12; Limb-Girdle Muscular Dystrophy R12 Anoctamin-5-Related (LGMD-R12); Limb-girdle muscular dystrophy, type 2L. Identifiers: Orphanet 206549, MedGen C1969785, MONDO:0012652, OMIM 611307.
Gnathodiaphyseal dysplasia (GDD). Also called: GNATHODIAPHYSEAL SCLEROSIS; OSTEOGENESIS IMPERFECTA WITH UNUSUAL SKELETAL LESIONS. Identifiers: Orphanet 53697, MedGen C1833736, MONDO:0008151, OMIM 166260.

Submission:

Labcorp Genetics (formerly Invitae), Labcorp
Classification: Uncertain significance for Autosomal recessive limb-girdle muscular dystrophy type 2L; Gnathodiaphyseal dysplasia. Last evaluated: 2022-06-20. Review status: criteria provided, single submitter. Criteria: Invitae Variant Classification Sherloc (09022015). Collection method: clinical testing. Allele origin: germline.
Comment: In summary, the available evidence is currently insufficient to determine the role of this variant in disease. Therefore, it has been classified as a Variant of Uncertain Significance. Advanced modeling of protein sequence and biophysical properties (such as structural, functional, and spatial information, amino acid conservation, physicochemical variation, residue mobility, and thermodynamic stability) performed at Invitae indicates that this missense variant is not expected to disrupt ANO5 protein function. ClinVar contains an entry for this variant (Variation ID: 1025959). This variant has not been reported in the literature in individuals affected with ANO5-related conditions. This variant is not present in population databases (gnomAD no frequency). This sequence change replaces methionine, which is neutral and non-polar, with leucine, which is neutral and non-polar, at codon 737 of the ANO5 protein (p.Met737Leu).